The following is an entry in ClinVar:

NM_000023.4(SGCA):c.472C>T (p.Leu158Phe)

Gene: SGCA (sarcoglycan alpha; plus strand). Cytogenetic location: 17q21.33.
Variant type: single nucleotide variant.
Coding change: c.472C>T on transcript NM_000023.4 (MANE Select); coding-DNA position 472, C replaced by T.
Protein change: p.Leu158Phe; replaces leucine 158 with phenylalanine.
Molecular consequence: missense variant. On other transcripts: non-coding transcript variant (1).
Genome position (GRCh38, 1-based): chr17:50,168,460, C>T. VCF-style: chr17-50168460-C-T. GRCh37 (hg19) VCF-style: chr17-48245821-C-T.
Other names: c.472C>T, p.Leu158Phe (NM_001135697.3); short protein forms L158F.
Identifiers: ClinVar variation 1496488 (VCV001496488.9), dbSNP rs2144496721, ClinGen allele CA400179945.

ClinVar aggregate classification (germline): Likely pathogenic (1 of 4 stars; one submission).

Conditions:
Autosomal recessive limb-girdle muscular dystrophy type 2D (LGMDR3). Also called: ADHALINOPATHY, PRIMARY; DUCHENNE-LIKE AUTOSOMAL RECESSIVE MUSCULAR DYSTROPHY, TYPE 2; MUSCULAR DYSTROPHY, LIMB-GIRDLE, AUTOSOMAL RECESSIVE 3. Identifiers: Orphanet 62, MedGen C2936332, MONDO:0011968, OMIM 608099. Disease mechanism: Affects gamma-sarcoglycan and also disrupts the integrity of the entire sarcoglycan complex..

Submission:

Labcorp Genetics (formerly Invitae), Labcorp
Classification: Likely pathogenic for Autosomal recessive limb-girdle muscular dystrophy type 2D. Last evaluated: 2022-05-13. Review status: criteria provided, single submitter. Criteria: Invitae Variant Classification Sherloc (09022015). Collection method: clinical testing. Allele origin: germline.
Comment: In summary, the currently available evidence indicates that the variant is pathogenic, but additional data are needed to prove that conclusively. Therefore, this variant has been classified as Likely Pathogenic. Experimental studies have shown that this missense change affects SGCA function (PMID: 22095924). Advanced modeling of protein sequence and biophysical properties (such as structural, functional, and spatial information, amino acid conservation, physicochemical variation, residue mobility, and thermodynamic stability) performed at Invitae indicates that this missense variant is expected to disrupt SGCA protein function. This missense change has been observed in individual(s) with limb-girdle muscular dystrophy (PMID: 9032047). This variant is not present in population databases (gnomAD no frequency). This sequence change replaces leucine, which is neutral and non-polar, with phenylalanine, which is neutral and non-polar, at codon 158 of the SGCA protein (p.Leu158Phe).

Literature cited by the submitters: PubMed 22095924; PubMed 9032047.